The following is an entry in ClinVar:

ClinVar aggregate classification (germline): Uncertain significance (1 of 4 stars; one submission).

Conditions:
3-Methylglutaconic aciduria type 2 (BTHS). Also called: CARDIOSKELETAL MYOPATHY WITH NEUTROPENIA AND ABNORMAL MITOCHONDRIA; Barth syndrome. Identifiers: Orphanet 111, MedGen C0574083, MONDO:0010543, OMIM 302060.

gnomAD v4.1: 1 of 1,207,980 alleles (0.000083%); highest among the groups gnomAD compares: South Asian, 0.0018%; no homozygotes.

Submission:

Labcorp Genetics (formerly Invitae), Labcorp
Classification: Uncertain significance for 3-Methylglutaconic aciduria type 2. Last evaluated: 2024-10-31. Review status: criteria provided, single submitter. Criteria: Invitae Variant Classification Sherloc (09022015). Collection method: clinical testing. Allele origin: germline.
Comment: This sequence change replaces leucine, which is neutral and non-polar, with phenylalanine, which is neutral and non-polar, at codon 27 of the TAZ protein (p.Leu27Phe). This variant is not present in population databases (gnomAD no frequency). This variant has not been reported in the literature in individuals affected with TAZ-related conditions. An algorithm developed to predict the effect of missense changes on protein structure and function (PolyPhen-2) suggests that this variant is likely to be tolerated. In summary, the available evidence is currently insufficient to determine the role of this variant in disease. Therefore, it has been classified as a Variant of Uncertain Significance.

NM_000116.5(TAFAZZIN):c.81G>T (p.Leu27Phe)

Genes: DNASE1L1 (deoxyribonuclease 1 like 1; minus strand), TAFAZZIN (tafazzin, phospholipid-lysophospholipid transacylase; plus strand), LOC130068869 (ATAC-STARR-seq lymphoblastoid silent region 21101; plus strand). Cytogenetic location: Xq28.
Variant type: single nucleotide variant.
Coding change: c.81G>T on transcript NM_000116.5 (MANE Select); coding-DNA position 81, G replaced by T.
Protein change: p.Leu27Phe; replaces leucine 27 with phenylalanine.
Molecular consequence: missense variant. On other transcripts: 5 prime UTR variant (3), non-coding transcript variant (1).
Genome position (GRCh38, 1-based): chrX:154,411,924, G>T. VCF-style: chrX-154411924-G-T. GRCh37 (hg19) VCF-style: chrX-153640261-G-T.
Other names: c.-464C>A (NM_001009932.3); c.-206C>A (NM_001009933.3); c.-121C>A (NM_001009934.3); c.81G>T, p.Leu27Phe (NM_001303465.2, NM_001410698.1, NM_001440856.1 and 5 more transcripts); short protein forms L27F.
Identifiers: ClinVar variation 3607345 (VCV003607345.2).